The following is an entry in ClinVar:

NM_000384.3(APOB):c.12903C>G (p.Asp4301Glu)

Gene: APOB (apolipoprotein B; minus strand). Cytogenetic location: 2p24.1.
Variant type: single nucleotide variant.
Coding change: c.12903C>G on transcript NM_000384.3 (MANE Select); coding-DNA position 12903, C replaced by G.
Protein change: p.Asp4301Glu; replaces aspartic acid 4301 with glutamic acid.
Molecular consequence: missense variant.
Genome position (GRCh38, 1-based): chr2:21,002,519, G>C on the plus strand (C>G on the coding strand, the complement: APOB is on the minus strand). VCF-style: chr2-21002519-G-C. GRCh37 (hg19) VCF-style: chr2-21225391-G-C.
Other names: short protein forms D4301E.
Identifiers: ClinVar variation 4124829 (VCV004124829.1).
Genomic context (GRCh38, chr2:21,002,519, plus strand): 5'-TTTCATCTCTTTCAGCTGTTTAATGTTATCTTCTATTAGTTGGAAAATGAATTGTAAAAG[G>C]TCCTGAAGATTACGTAGCACCTCTGTGGTCTTGAGAGACTGAATGGCTTTAAATACCTCT-3'
Protein context (NP_000375.3, residues 4291-4311): KTTEVLRNLQ[Asp4301Glu]LLQFIFQLIE

ClinVar aggregate classification (germline): Uncertain significance (1 of 4 stars; one submission).

Conditions:
Cardiovascular phenotype. Identifiers: MedGen CN230736.

Submission:

Ambry Genetics
Classification: Uncertain significance for Cardiovascular phenotype. Last evaluated: 2025-06-17. Review status: criteria provided, single submitter. Criteria: Ambry Variant Classification Scheme 2023. Collection method: clinical testing. Allele origin: germline.
Comment: The p.D4301E variant (also known as c.12903C>G), located in coding exon 29 of the APOB gene, results from a C to G substitution at nucleotide position 12903. The aspartic acid at codon 4301 is replaced by glutamic acid, an amino acid with highly similar properties. This amino acid position is conserved. In addition, this alteration is predicted to be tolerated by in silico analysis. Based on the available evidence, the clinical significance of this variant remains unclear.